The following is an entry in ClinVar:

ClinVar aggregate classification (germline): Uncertain significance. Review status: criteria provided, multiple submitters, no conflicts (2 of 4 stars). 2 submissions from 2 submitters: Uncertain significance (2). Last evaluated 2025-08-23.

Conditions:
Autosomal recessive spastic paraplegia type 78. Identifiers: Orphanet 513436, MedGen C5567893, MONDO:0014975, OMIM 617225.
Kufor-Rakeb syndrome (KRS). Also called: PARKINSON DISEASE 9, AUTOSOMAL RECESSIVE, JUVENILE-ONSET. Identifiers: Orphanet 306674, Orphanet 314632, MedGen C1847640, MONDO:0011706, OMIM 606693.
Inborn genetic diseases. Identifiers: MedGen C0950123, MeSH D030342.

Allele frequency attached by ClinVar (database versions not stated): TOPMed below 0.00001; ExAC 0.00001; gnomAD exomes 0.00001; gnomAD 0.00002.
gnomAD v4.1: 23 of 1,612,354 alleles (0.0014%); highest among the groups gnomAD compares: African/African-American, 0.004%; no homozygotes.

Submissions (2):

Ambry Genetics
Classification: Uncertain significance for Inborn genetic diseases. Last evaluated: 2025-08-23. Review status: criteria provided, single submitter. Criteria: Ambry Variant Classification Scheme 2023. Collection method: clinical testing. Allele origin: germline.

Labcorp Genetics (formerly Invitae), Labcorp
Classification: Uncertain significance for Kufor-Rakeb syndrome; Autosomal recessive spastic paraplegia type 78. Last evaluated: 2022-07-07. Review status: criteria provided, single submitter. Criteria: Invitae Variant Classification Sherloc (09022015). Collection method: clinical testing. Allele origin: germline.
Comment: This sequence change replaces threonine, which is neutral and polar, with methionine, which is neutral and non-polar, at codon 708 of the ATP13A2 protein (p.Thr708Met). This variant is present in population databases (rs772806062, gnomAD 0.002%). This variant has not been reported in the literature in individuals affected with ATP13A2-related conditions. Advanced modeling of protein sequence and biophysical properties (such as structural, functional, and spatial information, amino acid conservation, physicochemical variation, residue mobility, and thermodynamic stability) performed at Invitae indicates that this missense variant is not expected to disrupt ATP13A2 protein function. In summary, the available evidence is currently insufficient to determine the role of this variant in disease. Therefore, it has been classified as a Variant of Uncertain Significance.

NM_022089.4(ATP13A2):c.2123C>T (p.Thr708Met)

Gene: ATP13A2 (ATPase cation transporting 13A2; minus strand). Cytogenetic location: 1p36.13.
Variant type: single nucleotide variant.
Coding change: c.2123C>T on transcript NM_022089.4 (MANE Select); coding-DNA position 2123, C replaced by T.
Protein change: p.Thr708Met; replaces threonine 708 with methionine.
Molecular consequence: missense variant.
Genome position (GRCh38, 1-based): chr1:16,992,012, G>A on the plus strand (C>T on the coding strand, the complement: ATP13A2 is on the minus strand). VCF-style: chr1-16992012-G-A. GRCh37 (hg19) VCF-style: chr1-17318507-G-A.
Other names: c.2108C>T, p.Thr703Met (NM_001141973.3, NM_001141974.3); c.2123C>T (NM_022089.2); short protein forms T703M, T708M.
Identifiers: ClinVar variation 2168005 (VCV002168005.4), dbSNP rs772806062, ClinGen allele CA636969.